The following is an entry in ClinVar:

NM_024577.4(SH3TC2):c.3180C>T (p.Asp1060=)

Gene: SH3TC2 (SH3 domain and tetratricopeptide repeats 2; minus strand). Cytogenetic location: 5q32.
Variant type: single nucleotide variant.
Coding change: c.3180C>T on transcript NM_024577.4 (MANE Select); coding-DNA position 3180, C replaced by T.
Protein change: p.Asp1060=; no amino-acid change (aspartic acid 1060 retained).
Molecular consequence: synonymous variant.
Genome position (GRCh38, 1-based): chr5:149,012,608, G>A on the plus strand (C>T on the coding strand, the complement: SH3TC2 is on the minus strand). VCF-style: chr5-149012608-G-A. GRCh37 (hg19) VCF-style: chr5-148392171-G-A.
Other names: c.3180C>T (NM_024577.3).
Identifiers: ClinVar variation 1082463 (VCV001082463.33), dbSNP rs780060168, ClinGen allele CA3498829.

ClinVar aggregate classification (germline): Likely benign. Review status: criteria provided, multiple submitters, no conflicts (2 of 4 stars). 3 submissions from 3 submitters: Likely benign (3). Last evaluated 2025-12-05.

Conditions:
Charcot-Marie-Tooth disease type 4. Also called: Charcot-Marie-Tooth disease, type IV; Charcot-Marie-Tooth, Type 4. Identifiers: Orphanet 64749, MedGen C4082197, MONDO:0018995.
SH3TC2-related disorder. Also called: SH3TC2-related condition; SH3TC2-related disorders. Identifiers: MedGen CN239303.

Allele frequency attached by ClinVar (database versions not stated): ExAC 0.00002; gnomAD exomes 0.00003 and 0.00004.
gnomAD v4.1: 49 of 1,614,102 alleles (0.003%); highest among the groups gnomAD compares: African/African-American, 0.012%; no homozygotes.

Submissions (3):

PreventionGenetics, part of Exact Sciences
Classification: Likely benign for SH3TC2-related condition. Last evaluated: 2025-12-05. Review status: criteria provided, single submitter. Criteria: ACMG Guidelines, 2015. Collection method: clinical testing. Allele origin: germline.
Comment: This variant is classified as likely benign based on ACMG/AMP sequence variant interpretation guidelines (Richards et al. 2015 PMID: 25741868, with internal and published modifications).

Labcorp Genetics (formerly Invitae), Labcorp
Classification: Likely benign for Charcot-Marie-Tooth disease type 4. Last evaluated: 2025-05-18. Review status: criteria provided, single submitter. Criteria: Invitae Variant Classification Sherloc (09022015). Collection method: clinical testing. Allele origin: germline.

CeGaT Center for Human Genetics Tuebingen
Classification: Likely benign. Last evaluated: 2023-09-01. Review status: criteria provided, single submitter. Criteria: CeGaT Center For Human Genetics Tuebingen Variant Classification Criteria Version 2. Collection method: clinical testing. Allele origin: germline. Affected: yes. Observed: 1 variant allele.
Comment: SH3TC2: BP4, BP7